The following is an entry in ClinVar:

NM_130384.3(ATRIP):c.89C>G (p.Pro30Arg)

Genes: ATRIP (ATR interacting protein; plus strand), ATRIP-TREX1 (ATRIP-TREX1 readthrough; plus strand), LOC129936703 (ATAC-STARR-seq lymphoblastoid silent region 14331; plus strand). Cytogenetic location: 3p21.31.
Variant type: single nucleotide variant.
Coding change: c.89C>G on transcript NM_130384.3 (MANE Select); coding-DNA position 89, C replaced by G.
Protein change: p.Pro30Arg; replaces proline 30 with arginine.
Molecular consequence: missense variant. On other transcripts: non-coding transcript variant (1), intron variant (1).
Genome position (GRCh38, 1-based): chr3:48,446,934, C>G. VCF-style: chr3-48446934-C-G. GRCh37 (hg19) VCF-style: chr3-48488338-C-G.
Other names: c.89C>G, p.Pro30Arg (NM_032166.4); c.-218+135C>G (NM_001271022.2); short protein forms P30R.
Identifiers: ClinVar variation 3808968 (VCV003808968.1).

ClinVar aggregate classification (germline): Uncertain significance (1 of 4 stars; one submission).

Submission:

Ambry Genetics
Classification: Uncertain significance. Last evaluated: 2024-12-14. Review status: criteria provided, single submitter. Criteria: Ambry Variant Classification Scheme 2023. Collection method: clinical testing. Allele origin: germline.
Comment: The p.P30R variant (also known as c.89C>G), located in coding exon 1 of the ATRIP gene, results from a C to G substitution at nucleotide position 89. The proline at codon 30 is replaced by arginine, an amino acid with dissimilar properties. This amino acid position is conserved. In addition, the in silico prediction for this alteration is inconclusive. Based on the available evidence, the clinical significance of this variant remains unclear.